The following is an entry in ClinVar:

NM_003482.4(KMT2D):c.9212G>A (p.Arg3071Lys)

Gene: KMT2D (lysine methyltransferase 2D; minus strand). Cytogenetic location: 12q13.12.
Variant type: single nucleotide variant.
Coding change: c.9212G>A on transcript NM_003482.4 (MANE Select); coding-DNA position 9212, G replaced by A.
Protein change: p.Arg3071Lys; replaces arginine 3071 with lysine.
Molecular consequence: missense variant.
Genome position (GRCh38, 1-based): chr12:49,038,144, C>T on the plus strand (G>A on the coding strand, the complement: KMT2D is on the minus strand). VCF-style: chr12-49038144-C-T. GRCh37 (hg19) VCF-style: chr12-49431927-C-T.
Other names: c.9212G>A (NM_003482.3); short protein forms R3071K.
Identifiers: ClinVar variation 196892 (VCV000196892.14), dbSNP rs794727574, ClinGen allele CA244674.

ClinVar aggregate classification (germline): Uncertain significance. Review status: criteria provided, multiple submitters, no conflicts (2 of 4 stars). 4 submissions from 4 submitters: Uncertain significance (4). Last evaluated 2024-11-25.

Conditions:
KMT2D-related disorder. Also called: KMT2D-Related Disorders.
Kabuki syndrome. Also called: Kabuki make-up syndrome; NIIKAWA-KUROKI SYNDROME. Identifiers: Orphanet 2322, MedGen C0796004, MONDO:0016512.
Kabuki syndrome 1 (KABUK1). Also called: KMT2D-Related Kabuki Syndrome. Identifiers: Orphanet 2322, MedGen CN030661, MONDO:0007843, OMIM 147920.

Allele frequency attached by ClinVar (database versions not stated): gnomAD exomes 0.00001; gnomAD 0.00003 and 0.00004; TOPMed 0.00004.
gnomAD v4.1: 10 of 1,613,860 alleles (0.00062%); highest among the groups gnomAD compares: African/African-American, 0.0013%; no homozygotes.

Submissions (4):

Labcorp Genetics (formerly Invitae), Labcorp
Classification: Uncertain significance for Kabuki syndrome. Last evaluated: 2024-11-25. Review status: criteria provided, single submitter. Criteria: Invitae Variant Classification Sherloc (09022015). Collection method: clinical testing. Allele origin: germline.
Comment: This sequence change replaces arginine, which is basic and polar, with lysine, which is basic and polar, at codon 3071 of the KMT2D protein (p.Arg3071Lys). This variant is not present in population databases (gnomAD no frequency). This missense change has been observed in individual(s) with single suture craniosynostosis (PMID: 29168297). ClinVar contains an entry for this variant (Variation ID: 196892). Invitae Evidence Modeling of protein sequence and biophysical properties (such as structural, functional, and spatial information, amino acid conservation, physicochemical variation, residue mobility, and thermodynamic stability) indicates that this missense variant is not expected to disrupt KMT2D protein function with a negative predictive value of 95%. In summary, the available evidence is currently insufficient to determine the role of this variant in disease. Therefore, it has been classified as a Variant of Uncertain Significance.

PreventionGenetics, part of Exact Sciences
Classification: Uncertain significance for KMT2D-related condition. Last evaluated: 2024-11-19. Review status: criteria provided, single submitter. Criteria: ACMG Guidelines, 2015. Collection method: clinical testing. Allele origin: germline.
Comment: The KMT2D c.9212G>A variant is predicted to result in the amino acid substitution p.Arg3071Lys. This variant has been previously reported, in the heterozygous state, in an individual with sagittal single suture craniosynostosis (Clarke et al. 2018. PubMed ID: 29168297). This variant has not been reported in a large population database (gnomAD), indicating this variant is rare. At this time, the clinical significance of this variant is uncertain due to the absence of conclusive functional and genetic evidence.

Fulgent Genetics
Classification: Uncertain significance for Kabuki syndrome 1. Last evaluated: 2021-09-07. Review status: criteria provided, single submitter. Criteria: ACMG Guidelines, 2015. Collection method: clinical testing. Allele origin: unknown.

Eurofins Ntd Llc (ga)
Classification: Uncertain significance. Last evaluated: 2015-03-03. Review status: criteria provided, single submitter. Criteria: EGL Classification Definitions 2015. Collection method: clinical testing. Allele origin: germline. Observed: 1 variant allele, 1 heterozygote.

Literature cited by the submitters: PubMed 29168297 (cited by Labcorp Genetics (formerly Invitae), Labcorp).